The following is an entry in ClinVar:

ClinVar aggregate classification (germline): Uncertain significance (1 of 4 stars; one submission).

gnomAD v4.1: 3 of 1,612,364 alleles (0.00019%); highest among the groups gnomAD compares: Admixed American, 0.0017%; no homozygotes.

Submission:

GeneDx
Classification: Uncertain significance. Last evaluated: 2024-10-30. Review status: criteria provided, single submitter. Criteria: GeneDx Variant Classification Process June 2021. Collection method: clinical testing. Allele origin: germline. Affected: yes.
Comment: In silico analysis indicates that this missense variant does not alter protein structure/function; Has not been previously published as pathogenic or benign to our knowledge

NM_006494.4(ERF):c.1066G>A (p.Glu356Lys)

Gene: ERF (ETS2 repressor factor; minus strand). Cytogenetic location: 19q13.2.
Variant type: single nucleotide variant.
Coding change: c.1066G>A on transcript NM_006494.4 (MANE Select); coding-DNA position 1066, G replaced by A.
Protein change: p.Glu356Lys; replaces glutamic acid 356 with lysine.
Molecular consequence: missense variant.
Genome position (GRCh38, 1-based): chr19:42,249,046, C>T on the plus strand (G>A on the coding strand, the complement: ERF is on the minus strand). VCF-style: chr19-42249046-C-T. GRCh37 (hg19) VCF-style: chr19-42753198-C-T.
Other names: c.841G>A, p.Glu281Lys (NM_001301035.2, NM_001308402.2, NM_001312656.2); short protein forms E281K, E356K.
Identifiers: ClinVar variation 3897477 (VCV003897477.1).